The following is an entry in ClinVar:

ClinVar aggregate classification (germline): Uncertain significance (1 of 4 stars; one submission).

Submission:

GeneDx
Classification: Uncertain significance. Last evaluated: 2026-03-10. Review status: criteria provided, single submitter. Criteria: GeneDx Variant Classification Process June 2021. Collection method: clinical testing. Allele origin: germline.
Comment: Not observed at significant frequency in large population cohorts (gnomAD); In silico analysis supports that this missense variant has a deleterious effect on protein structure/function; Has not been previously published as pathogenic or benign to our knowledge

NM_004329.3(BMPR1A):c.1330T>G (p.Cys444Gly)

Gene: BMPR1A (bone morphogenetic protein receptor type 1A; plus strand). Cytogenetic location: 10q23.2.
Variant type: single nucleotide variant.
Coding change: c.1330T>G on transcript NM_004329.3 (MANE Select); coding-DNA position 1330, T replaced by G.
Protein change: p.Cys444Gly; replaces cysteine 444 with glycine.
Molecular consequence: missense variant. On other transcripts: non-coding transcript variant (3).
Genome position (GRCh38, 1-based): chr10:86,921,683, T>G. VCF-style: chr10-86921683-T-G. GRCh37 (hg19) VCF-style: chr10-88681440-T-G.
Other names: c.1405T>G, p.Cys469Gly (NM_001406559.1); c.1378T>G, p.Cys460Gly (NM_001406560.1); c.1330T>G, p.Cys444Gly (NM_001406561.1, NM_001406562.1, NM_001406563.1 and 19 more transcripts); c.1324T>G, p.Cys442Gly (NM_001406583.1); c.1246T>G, p.Cys416Gly (NM_001406584.1, NM_001406585.1, NM_001406586.1 and 2 more transcripts); c.988T>G, p.Cys330Gly (NM_001406589.1); short protein forms C416G, C460G, C330G, C469G, C442G, C444G.
Identifiers: ClinVar variation 5008878 (VCV005008878.1).